The following is an entry in ClinVar:

NM_020461.4(TUBGCP6):c.837C>T (p.Asp279=)

Gene: TUBGCP6 (tubulin gamma complex component 6; minus strand). Cytogenetic location: 22q13.33.
Variant type: single nucleotide variant.
Coding change: c.837C>T on transcript NM_020461.4 (MANE Select); coding-DNA position 837, C replaced by T.
Protein change: p.Asp279=; no amino-acid change (aspartic acid 279 retained).
Molecular consequence: synonymous variant.
Genome position (GRCh38, 1-based): chr22:50,240,272, G>A on the plus strand (C>T on the coding strand, the complement: TUBGCP6 is on the minus strand). VCF-style: chr22-50240272-G-A. GRCh37 (hg19) VCF-style: chr22-50678701-G-A.
Identifiers: ClinVar variation 709527 (VCV000709527.23), dbSNP rs34718948, ClinGen allele CA10308938.
Genomic context (GRCh38, chr22:50,240,272, plus strand): 5'-TCGCTCCCAGCACCTCCGCTTGCTGGCCTCATAGGTAAGTGCGGCTTCCCACAGGTCCAC[G>A]TCTGGGGTCACGCTGGGCTCAGACTGGGAATCAGGAGTCAAGTTGGACGCTGACTGGAAT-3'
Protein context (NP_065194.3, residues 269-289): DSQSEPSVTP[Asp279=]VDLWEAALTY

ClinVar aggregate classification (germline): Benign/Likely benign. Review status: criteria provided, multiple submitters, no conflicts (2 of 4 stars). 6 submissions from 6 submitters: Benign (1); Likely benign (4). 1 of the submissions does not count toward it. Last evaluated 2026-08-01.

Conditions:
TUBGCP6-related disorder. Also called: TUBGCP6-related condition.

Allele frequency attached by ClinVar (database versions not stated): gnomAD exomes 0.00037 and 0.00101; ExAC 0.00113; 1000 Genomes Project 0.00300; 1000 Genomes Project 30x 0.00375; gnomAD 0.00384 and 0.00417; ESP Exome Variant Server 0.00408; TOPMed 0.00447.
gnomAD v4.1: 1,148 of 1,613,996 alleles (0.071%); highest among the groups gnomAD compares: African/African-American, 1.4%; 10 homozygotes.

Submissions (6):

CeGaT Center for Human Genetics Tuebingen
Classification: Likely benign. Last evaluated: 2026-08-01. Review status: criteria provided, single submitter. Criteria: CeGaT Center For Human Genetics Tuebingen Variant Classification Criteria Version 2. Collection method: clinical testing. Allele origin: germline. Affected: yes. Observed: 3 variant alleles.
Comment: TUBGCP6: BP4, BP7, BS1

Labcorp Genetics (formerly Invitae), Labcorp
Classification: Benign. Last evaluated: 2026-01-19. Review status: criteria provided, single submitter. Criteria: Invitae Variant Classification Sherloc (09022015). Collection method: clinical testing. Allele origin: germline.

Blueprint Genetics
Classification: Likely benign. Last evaluated: 2024-11-11. Review status: criteria provided, single submitter. Criteria: ACMG Guidelines, 2015. Collection method: clinical testing. Allele origin: germline.

GeneDx
Classification: Likely benign. Last evaluated: 2021-02-22. Review status: criteria provided, single submitter. Criteria: GeneDx Variant Classification Process June 2021. Collection method: clinical testing. Allele origin: germline. Affected: yes.

Breakthrough Genomics
Classification: Likely benign. Review status: criteria provided, single submitter. Criteria: ACMG Guidelines, 2015. Collection method: not provided. Allele origin: germline. Inheritance: Autosomal recessive inheritance. Affected: yes.

PreventionGenetics, part of Exact Sciences
Classification: Benign for TUBGCP6-related condition. Last evaluated: 2019-05-22. Review status: no assertion criteria provided. Collection method: clinical testing. Allele origin: germline. Not counted in ClinVar's aggregate classification.
Comment: This variant is classified as benign based on ACMG/AMP sequence variant interpretation guidelines (Richards et al. 2015 PMID: 25741868, with internal and published modifications).